The following is an entry in ClinVar:

ClinVar aggregate classification (germline): Benign. Review status: criteria provided, multiple submitters, no conflicts (2 of 4 stars). 12 submissions from 12 submitters: Benign (9). 3 of the submissions do not count toward it. Last evaluated 2025-03-27.

Conditions:
Autosomal dominant polycystic kidney disease. Identifiers: Orphanet 730, MedGen C0085413, MONDO:0004691.
Polycystic kidney disease, adult type (PKD1). Also called: Polycystic Kidney, Autosomal Dominant; Polycystic Kidney Disease 1, Autosomal Dominant; Polycystic kidney disease 1; Polycystic kidney disease 1, severe; POLYCYSTIC KIDNEY DISEASE 1 WITH OR WITHOUT POLYCYSTIC LIVER DISEASE; POLYCYSTIC KIDNEY DISEASE, ADULT, TYPE I. Identifiers: MedGen C3149841, MONDO:0008263, OMIM 173900.
Polycystic kidney disease. Also called: Polycystic kidney dysplasia; Kidney, Polycystic. Identifiers: MedGen C0022680, MeSH D007690, MONDO:0020642, HP:0000113.

Allele frequency attached by ClinVar (database versions not stated): 1000 Genomes Project 30x 0.01124; 1000 Genomes Project 0.01198; TOPMed 0.02598; gnomAD exomes 0.03084 and 0.04366; gnomAD 0.03147 and 0.03243; ExAC 0.03273; ESP Exome Variant Server 0.03444.

Submissions (12):

Women's Health and Genetics/Laboratory Corporation of America, LabCorp
Classification: Benign. Last evaluated: 2025-03-27. Review status: criteria provided, single submitter. Criteria: LabCorp Variant Classification Summary - May 2015. Collection method: clinical testing. Allele origin: germline.

Blueprint Genetics
Classification: Benign. Last evaluated: 2024-11-27. Review status: criteria provided, single submitter. Criteria: ACMG Guidelines, 2015. Collection method: clinical testing. Allele origin: germline.

Mayo Clinic Laboratories, Mayo Clinic
Classification: Benign. Last evaluated: 2022-11-15. Review status: criteria provided, single submitter. Criteria: ACMG Guidelines, 2015. Collection method: clinical testing. Allele origin: germline. Observed: 54 variant alleles.

ARUP Laboratories, Molecular Genetics and Genomics, ARUP Laboratories
Classification: Benign for Polycystic kidney disease, adult type. Last evaluated: 2020-02-20. Review status: criteria provided, single submitter. Criteria: ARUP Molecular Germline Variant Investigation Process. Collection method: clinical testing. Allele origin: germline.

GeneDx
Classification: Benign. Last evaluated: 2019-10-03. Review status: criteria provided, single submitter. Criteria: GeneDx Variant Classification Process June 2021. Collection method: clinical testing. Allele origin: germline. Affected: yes.

Molecular Genetics of Inherited Kidney Disorders Laboratory, Garvan Institute of Medical Research
Classification: Benign for Autosomal dominant polycystic kidney disease. Last evaluated: 2019-01-01. Review status: criteria provided, single submitter. Criteria: ACMG Guidelines, 2015. Collection method: research. Allele origin: germline. Affected: yes.

Athena Diagnostics
Classification: Benign. Last evaluated: 2018-01-26. Review status: criteria provided, single submitter. Criteria: Athena Diagnostics Criteria. Collection method: clinical testing. Allele origin: germline.

Breakthrough Genomics
Classification: Benign. Review status: criteria provided, single submitter. Criteria: ACMG Guidelines, 2015. Collection method: not provided. Allele origin: germline. Inheritance: Autosomal dominant inheritance. Affected: yes.

PreventionGenetics, part of Exact Sciences
Classification: Benign. Review status: criteria provided, single submitter. Criteria: ACMG Guidelines, 2015. Collection method: clinical testing. Allele origin: germline.

Department of Pathology and Laboratory Medicine, Sinai Health System
Classification: Benign for Polycystic Kidney disease. Review status: no assertion criteria provided. Collection method: clinical testing. Allele origin: unknown. Affected: yes. Observed: 1 variant allele. Study: The Canadian Open Genetics Repository (COGR). Not counted in ClinVar's aggregate classification.
Comment: The PKD1 p.Leu1921Leu variant was identified in 39 of 842 proband chromosomes (frequency: 0.046) from individuals or families with ADPKD or renal disease, and was not identified in 100 control chromosomes from healthy individuals (Bataille 2011, Garcia-Gonzalez 2007, McCluskey 2002, Rossetti 2012, Thomas 1999). All the above studies have identified the variant as a polymorphism. The p.Leu1921Leu variant was identified in the dbSNP (ID: rs2575313) with unknown clinical significance with a minor allele frequency 0.012 (60 of 5000 chromosomes in 1000 Genome Project). In the NHLBI Exome Sequencing Project (Exome Variant Server), the variant was identified in 387 of 8262 alleles (frequency: 0.05) in the European Americans and 39 of 4067 alleles in African Americans (Frequency: 0.01). The variant was identified in the Exome Aggregation Consortium database (March 14, 2016) in 3512 of 107304 chromosomes (frequency: 0.03) or 471 of 5522 of European (Finnish), 2749 of 58470 European (Non-Finnish), 151 of 10988 Latino, 61 of 7502 African, and 59 of 15918 South Asians chromosomes and was not found in East Asians. The variant was identified in the PKD Mutation Database and classified as likely neutral. The c.5763G>A variant occurs outside of the splicing consensus sequence and in silico or computational prediction software programs (SpliceSiteFinder, MaxEntScan, NNSPLICE, GeneSplicer, HumanSpliceFinder) do not predict a greater than 10% difference in splicing. The p.Leu1921Leu variant is not expected to have clinical significance because it does not result in a change of amino acid and is not located in a known consensus splice site. In summary, based on the above information, this variant meets our laboratory criteria to be classified as benign.

Joint Genome Diagnostic Labs from Nijmegen and Maastricht, Radboudumc and MUMC+
Classification: Benign. Review status: no assertion criteria provided. Collection method: clinical testing. Allele origin: germline. Affected: yes. Study: VKGL Data-share Consensus. Not counted in ClinVar's aggregate classification.

Laboratory of Diagnostic Genome Analysis, Leiden University Medical Center (LUMC)
Classification: Benign. Review status: no assertion criteria provided. Collection method: clinical testing. Allele origin: germline. Affected: yes. Study: VKGL Data-share Consensus. Not counted in ClinVar's aggregate classification.

NM_001009944.3(PKD1):c.5763G>A (p.Leu1921=)

Gene: PKD1 (polycystin 1, transient receptor potential channel interacting; minus strand). Cytogenetic location: 16p13.3.
Variant type: single nucleotide variant.
Coding change: c.5763G>A on transcript NM_001009944.3 (MANE Select); coding-DNA position 5763, G replaced by A.
Protein change: p.Leu1921=; no amino-acid change (leucine 1921 retained).
Molecular consequence: synonymous variant.
Genome position (GRCh38, 1-based): chr16:2,109,404, C>T on the plus strand (G>A on the coding strand, the complement: PKD1 is on the minus strand). VCF-style: chr16-2109404-C-T. GRCh37 (hg19) VCF-style: chr16-2159405-C-T.
Other names: p.Leu1921=; c.5763G>A, p.Leu1921= (NM_000296.4).
Identifiers: ClinVar variation 256981 (VCV000256981.22), dbSNP rs2575313, ClinGen allele CA7831867.